The following is an entry in ClinVar:

NM_001927.4(DES):c.1301A>G (p.Glu434Gly)

Gene: DES (desmin; plus strand). Cytogenetic location: 2q35.
Variant type: single nucleotide variant.
Coding change: c.1301A>G on transcript NM_001927.4 (MANE Select); coding-DNA position 1301, A replaced by G.
Protein change: p.Glu434Gly; replaces glutamic acid 434 with glycine.
Molecular consequence: missense variant.
Genome position (GRCh38, 1-based): chr2:219,425,675, A>G. VCF-style: chr2-219425675-A-G. GRCh37 (hg19) VCF-style: chr2-220290397-A-G.
Other names: c.1298A>G, p.Glu433Gly (NM_001382708.1); c.869A>G, p.Glu290Gly (NM_001382709.1); c.1232A>G, p.Glu411Gly (NM_001382710.1); c.1280A>G, p.Glu427Gly (NM_001382711.1); c.1301A>G, p.Glu434Gly (NM_001382712.1); c.1031A>G, p.Glu344Gly (NM_001382713.1); short protein forms E427G, E434G, E344G, E290G, E411G, E433G.
Identifiers: ClinVar variation 1913197 (VCV001913197.5), dbSNP rs777575289, ClinGen allele CA2125301.

ClinVar aggregate classification (germline): Uncertain significance (1 of 4 stars; one submission).

Conditions:
Desmin-related myofibrillar myopathy (MFM1). Also called: MYOFIBRILLAR MYOPATHY WITH ARRHYTHMOGENIC RIGHT VENTRICULAR CARDIOMYOPATHY; DESMIN-RELATED MYOPATHY WITH ARRHYTHMOGENIC RIGHT VENTRICULAR CARDIOMYOPATHY; Desminopathy; Desmin related myopathy (former name); Desmin storage myopathy (former name); Myofibrillar myopathy 1. Identifiers: Orphanet 363543, Orphanet 98909, MedGen C1832370, MONDO:0011076, OMIM 601419.

Allele frequency attached by ClinVar (database versions not stated): gnomAD exomes 0.00001; ExAC 0.00003.
gnomAD v4.1: 3 of 1,581,874 alleles (0.00019%); highest among the groups gnomAD compares: East Asian, 0.0046%; no homozygotes.

Submission:

Labcorp Genetics (formerly Invitae), Labcorp
Classification: Uncertain significance for Desmin-related myofibrillar myopathy. Last evaluated: 2025-05-18. Review status: criteria provided, single submitter. Criteria: Invitae Variant Classification Sherloc (09022015). Collection method: clinical testing. Allele origin: germline.
Comment: This sequence change replaces glutamic acid, which is acidic and polar, with glycine, which is neutral and non-polar, at codon 434 of the DES protein (p.Glu434Gly). The frequency data for this variant in the population databases is considered unreliable, as metrics indicate poor data quality at this position in the gnomAD database. This variant has not been reported in the literature in individuals affected with DES-related conditions. ClinVar contains an entry for this variant (Variation ID: 1913197). Invitae Evidence Modeling of protein sequence and biophysical properties (such as structural, functional, and spatial information, amino acid conservation, physicochemical variation, residue mobility, and thermodynamic stability) has been performed for this missense variant. However, the output from this modeling did not meet the statistical confidence thresholds required to predict the impact of this variant on DES protein function. In summary, the available evidence is currently insufficient to determine the role of this variant in disease. Therefore, it has been classified as a Variant of Uncertain Significance.